The following is an entry in ClinVar:

ClinVar aggregate classification (germline): Uncertain significance. Review status: criteria provided, multiple submitters, no conflicts (2 of 4 stars). 3 submissions from 3 submitters: Uncertain significance (3). Last evaluated 2025-10-07.

Conditions:
Cardiovascular phenotype. Identifiers: MedGen CN230736.

Allele frequency attached by ClinVar (database versions not stated): gnomAD exomes below 0.00001; ExAC 0.00001.
gnomAD v4.1: 7 of 1,614,046 alleles (0.00043%); highest among the groups gnomAD compares: Non-Finnish European, 0.00059%; no homozygotes.

Submissions (3):

Labcorp Genetics (formerly Invitae), Labcorp
Classification: Uncertain significance. Last evaluated: 2025-10-07. Review status: criteria provided, single submitter. Criteria: Invitae Variant Classification Sherloc (09022015). Collection method: clinical testing. Allele origin: germline.
Comment: This sequence change replaces threonine, which is neutral and polar, with alanine, which is neutral and non-polar, at codon 478 of the ALPK3 protein (p.Thr478Ala). This variant is present in population databases (rs764928810, gnomAD 0.0009%). This variant has not been reported in the literature in individuals affected with ALPK3-related conditions. ClinVar contains an entry for this variant (Variation ID: 1314504). An algorithm developed to predict the effect of missense changes on protein structure and function outputs the following: PolyPhen-2: "Possibly Damaging". The alanine amino acid residue is found in multiple mammalian species, which suggests that this missense change does not adversely affect protein function. In summary, the available evidence is currently insufficient to determine the role of this variant in disease. Therefore, it has been classified as a Variant of Uncertain Significance.

Ambry Genetics
Classification: Uncertain significance for Cardiovascular phenotype. Last evaluated: 2025-02-12. Review status: criteria provided, single submitter. Criteria: Ambry Variant Classification Scheme 2023. Collection method: clinical testing. Allele origin: germline.

GeneDx
Classification: Uncertain significance. Last evaluated: 2020-01-23. Review status: criteria provided, single submitter. Criteria: GeneDx Variant Classification Process June 2021. Collection method: clinical testing. Allele origin: germline. Affected: yes.
Comment: Not observed at a significant frequency in large population cohorts (Lek et al., 2016); In silico analysis, which includes protein predictors and evolutionary conservation, supports that this variant does not alter protein structure/function; Has not been previously published as pathogenic or benign to our knowledge

NM_020778.5(ALPK3):c.826A>G (p.Thr276Ala)

Gene: ALPK3 (alpha kinase 3; plus strand). Cytogenetic location: 15q25.3.
Variant type: single nucleotide variant.
Coding change: c.826A>G on transcript NM_020778.5 (MANE Select); coding-DNA position 826, A replaced by G.
Protein change: p.Thr276Ala; replaces threonine 276 with alanine.
Molecular consequence: missense variant.
Genome position (GRCh38, 1-based): chr15:84,840,105, A>G. VCF-style: chr15-84840105-A-G. GRCh37 (hg19) VCF-style: chr15-85383336-A-G.
Other names: short protein forms T276A.
Identifiers: ClinVar variation 1314504 (VCV001314504.4), dbSNP rs764928810, ClinGen allele CA7709079.
Genomic context (GRCh38, chr15:84,840,105, plus strand): 5'-GAGACTGCTCAGCACTCAGGTTTGGGCCTGATCAACAGTTTTGCTTCTGGAGAAGTGACC[A>G]CCAACGGGGAGGCTGCCCCCGAGAATGGAGAGGACGGAGAGCATGGCTTGCTGACATACA-3'
Protein context (NP_065829.4, residues 266-286): INSFASGEVT[Thr276Ala]NGEAAPENGE